The following is an entry in ClinVar:

ClinVar aggregate classification (germline): Benign/Likely benign. Review status: criteria provided, multiple submitters, no conflicts (2 of 4 stars). 8 submissions from 8 submitters: Benign (6); Likely benign (2). Last evaluated 2026-01-28.

Conditions:
Bruck syndrome 2 (BRKS2). Also called: OSTEOGENESIS IMPERFECTA WITH CONGENITAL JOINT CONTRACTURES. Identifiers: Orphanet 2771, MedGen C1836602, MONDO:0012217, OMIM 609220.
Osteogenesis imperfecta (OI). Identifiers: Orphanet 666, MedGen C0029434, MeSH D010013, MONDO:0019019.

Allele frequency attached by ClinVar (database versions not stated): gnomAD exomes 0.00042 and 0.00114; ExAC 0.00150; 1000 Genomes Project 0.00379; gnomAD 0.00432 and 0.00458; 1000 Genomes Project 30x 0.00453; TOPMed 0.00493; ESP Exome Variant Server 0.00554.
gnomAD v4.1: 1,311 of 1,609,528 alleles (0.081%); highest among the groups gnomAD compares: African/African-American, 1.4%; 9 homozygotes.

Submissions (8):

Labcorp Genetics (formerly Invitae), Labcorp
Classification: Benign. Last evaluated: 2026-01-28. Review status: criteria provided, single submitter. Criteria: Invitae Variant Classification Sherloc (09022015). Collection method: clinical testing. Allele origin: germline.

Blueprint Genetics
Classification: Likely benign. Last evaluated: 2024-11-21. Review status: criteria provided, single submitter. Criteria: ACMG Guidelines, 2015. Collection method: clinical testing. Allele origin: germline.

CeGaT Center for Human Genetics Tuebingen
Classification: Benign. Last evaluated: 2023-07-01. Review status: criteria provided, single submitter. Criteria: CeGaT Center For Human Genetics Tuebingen Variant Classification Criteria Version 2. Collection method: clinical testing. Allele origin: germline. Affected: yes. Observed: 1 variant allele.
Comment: PLOD2: BP4, BP7, BS1, BS2

ARUP Laboratories, Molecular Genetics and Genomics, ARUP Laboratories
Classification: Benign for Bruck syndrome 2. Last evaluated: 2023-03-16. Review status: criteria provided, single submitter. Criteria: ARUP Molecular Germline Variant Investigation Process 2024. Collection method: clinical testing. Allele origin: germline.

Genome Diagnostics Laboratory, The Hospital for Sick Children
Classification: Likely benign for Osteogenesis imperfecta. Last evaluated: 2021-03-03. Review status: criteria provided, single submitter. Criteria: ACMG Guidelines, 2015. Collection method: clinical testing. Allele origin: germline.

GeneDx
Classification: Benign. Last evaluated: 2018-12-17. Review status: criteria provided, single submitter. Criteria: GeneDx Variant Classification Process June 2021. Collection method: clinical testing. Allele origin: germline. Affected: yes.

Illumina Laboratory Services, Illumina
Classification: Benign for Bruck syndrome 2. Last evaluated: 2018-01-12. Review status: criteria provided, single submitter. Criteria: ICSL Variant Classification Criteria 13 December 2019. Collection method: clinical testing. Allele origin: germline.
Comment: This variant was observed in the ICSL laboratory as part of a predisposition screen in an ostensibly healthy population. It had not been previously curated by ICSL or reported in the Human Gene Mutation Database (HGMD: prior to June 1st, 2018), and was therefore a candidate for classification through an automated scoring system. Utilizing variant allele frequency, disease prevalence and penetrance estimates, and inheritance mode, an automated score was calculated to assess if this variant is too frequent to cause the disease. Based on the score and internal cut-off values, a variant classified as benign is not then subjected to further curation. The score for this variant resulted in a classification of benign for this disease.

Breakthrough Genomics
Classification: Benign. Review status: criteria provided, single submitter. Criteria: ACMG Guidelines, 2015. Collection method: not provided. Allele origin: germline. Inheritance: Autosomal recessive inheritance. Affected: yes.

NM_182943.3(PLOD2):c.2229T>C (p.Pro743=)

Gene: PLOD2 (procollagen-lysine,2-oxoglutarate 5-dioxygenase 2; minus strand). Cytogenetic location: 3q24.
Variant type: single nucleotide variant.
Coding change: c.2229T>C on transcript NM_182943.3 (MANE Select); coding-DNA position 2229, T replaced by C.
Protein change: p.Pro743=; no amino-acid change (proline 743 retained).
Molecular consequence: synonymous variant.
Genome position (GRCh38, 1-based): chr3:146,070,765, A>G on the plus strand (T>C on the coding strand, the complement: PLOD2 is on the minus strand). VCF-style: chr3-146070765-A-G. GRCh37 (hg19) VCF-style: chr3-145788552-A-G.
Other names: c.2166T>C, p.Pro722= (NM_000935.3).
Identifiers: ClinVar variation 785068 (VCV000785068.45), dbSNP rs78976445, ClinGen allele CA2654665.